The following is an entry in ClinVar:

ClinVar aggregate classification (germline): Uncertain significance (1 of 4 stars; one submission).

Conditions:
MEGF10-related myopathy (CMYO10A). Also called: Congenital myopathy 10A, severe variant. Identifiers: Orphanet 439212, MedGen C3280679, MONDO:0013731, OMIM 614399.

Allele frequency attached by ClinVar (database versions not stated): gnomAD exomes below 0.00001; TOPMed 0.00001.
gnomAD v4.1: 4 of 1,611,236 alleles (0.00025%); highest among the groups gnomAD compares: Middle Eastern, 0.017%; no homozygotes.

Submission:

Labcorp Genetics (formerly Invitae), Labcorp
Classification: Uncertain significance for MEGF10-related myopathy. Last evaluated: 2023-10-03. Review status: criteria provided, single submitter. Criteria: Invitae Variant Classification Sherloc (09022015). Collection method: clinical testing. Allele origin: germline.
Comment: This sequence change replaces threonine, which is neutral and polar, with arginine, which is basic and polar, at codon 1080 of the MEGF10 protein (p.Thr1080Arg). This variant is not present in population databases (gnomAD no frequency). This variant has not been reported in the literature in individuals affected with MEGF10-related conditions. ClinVar contains an entry for this variant (Variation ID: 1347890). An algorithm developed to predict the effect of missense changes on protein structure and function (PolyPhen-2) suggests that this variant is likely to be disruptive. Algorithms developed to predict the effect of sequence changes on RNA splicing suggest that this variant may disrupt the consensus splice site. In summary, the available evidence is currently insufficient to determine the role of this variant in disease. Therefore, it has been classified as a Variant of Uncertain Significance.

NM_001256545.2(MEGF10):c.3239C>G (p.Thr1080Arg)

Gene: MEGF10 (multiple EGF like domains 10; plus strand). Cytogenetic location: 5q23.2.
Variant type: single nucleotide variant.
Coding change: c.3239C>G on transcript NM_001256545.2 (MANE Select); coding-DNA position 3239, C replaced by G.
Protein change: p.Thr1080Arg; replaces threonine 1080 with arginine.
Molecular consequence: missense variant.
Genome position (GRCh38, 1-based): chr5:127,457,134, C>G. VCF-style: chr5-127457134-C-G. GRCh37 (hg19) VCF-style: chr5-126792826-C-G.
Other names: c.3239C>G, p.Thr1080Arg (NM_032446.3); short protein forms T1080R.
Identifiers: ClinVar variation 1347890 (VCV001347890.6), dbSNP rs1018024748, ClinGen allele CA126953797.
Genomic context (GRCh38, chr5:127,457,134, plus strand): 5'-CTTTTTAAAAACATTTCCTTTGCTGATAAATTAATATGTCCTTGGTTATCACAGAACCTA[C>G]AGTGAGTGTTGTCCAAGGAGTATTCAGCAATAATGGGCGTCTCTCCCAGGATCCATATGA-3'
Protein context (NP_001243474.1, residues 1070-1090): ANRNVYEVEP[Thr1080Arg]VSVVQGVFSN